The following is an entry in ClinVar:

NM_003126.4(SPTA1):c.6530+15A>T

Gene: SPTA1 (spectrin alpha, erythrocytic 1; minus strand). Cytogenetic location: 1q23.1.
Variant type: single nucleotide variant.
Coding change: c.6530+15A>T on transcript NM_003126.4 (MANE Select); 15 bases into the intron after coding-DNA position 6530, A replaced by T.
Molecular consequence: intron variant.
Genome position (GRCh38, 1-based): chr1:158,619,207, T>A on the plus strand (A>T on the coding strand, the complement: SPTA1 is on the minus strand). VCF-style: chr1-158619207-T-A. GRCh37 (hg19) VCF-style: chr1-158588997-T-A.
Other names: p.?.
Identifiers: ClinVar variation 292951 (VCV000292951.22), dbSNP rs78561085, ClinGen allele CA1181968.

ClinVar aggregate classification (germline): Benign/Likely benign. Review status: criteria provided, multiple submitters, no conflicts (2 of 4 stars). 7 submissions from 5 submitters: Benign (3); Likely benign (4). Last evaluated 2026-01-09.

Conditions:
Pyropoikilocytosis, hereditary. Also called: Pyropoikilocytosis. Identifiers: MedGen C0520739, MONDO:0009948, OMIM 266140, HP:0004839. Disease mechanism: loss of function.
Hereditary spherocytosis type 3. Also called: Spherocytosis type 3; SPTA1-Related Spherocytosis. Identifiers: Orphanet 822, MedGen C2678338, MONDO:0010053, OMIM 270970.
Elliptocytosis 2 (EL2). Also called: ELLIPTOCYTOSIS, RHESUS-UNLINKED TYPE. Identifiers: Orphanet 288, MedGen C1851741, MONDO:0007533, OMIM 130600.

Allele frequency attached by ClinVar (database versions not stated): gnomAD exomes 0.00208; ExAC 0.00252; gnomAD 0.00867 and 0.00935; ESP Exome Variant Server 0.00919; TOPMed 0.00967; 1000 Genomes Project 0.00998; 1000 Genomes Project 30x 0.01062.
gnomAD v4.1: 2,641 of 1,611,520 alleles (0.16%); highest among the groups gnomAD compares: African/African-American, 3.1%; 37 homozygotes.

Submissions (7):

Labcorp Genetics (formerly Invitae), Labcorp
Classification: Benign. Last evaluated: 2026-01-09. Review status: criteria provided, single submitter. Criteria: Invitae Variant Classification Sherloc (09022015). Collection method: clinical testing. Allele origin: germline.

Genomic Medicine Center of Excellence, King Faisal Specialist Hospital and Research Centre
Classification: Likely benign. Last evaluated: 2025-08-18. Review status: criteria provided, single submitter. Criteria: ACMG Guidelines, 2015. Collection method: clinical testing. Allele origin: germline.

ARUP Laboratories, Molecular Genetics and Genomics, ARUP Laboratories
Classification: Benign. Last evaluated: 2025-07-24. Review status: criteria provided, single submitter. Criteria: ARUP Molecular Germline Variant Investigation Process 2024. Collection method: clinical testing. Allele origin: germline.

Mayo Clinic Laboratories, Mayo Clinic
Classification: Likely benign. Last evaluated: 2025-02-19. Review status: criteria provided, single submitter. Criteria: ACMG Guidelines, 2015. Collection method: clinical testing. Allele origin: germline. Observed: 16 variant alleles.

Illumina Laboratory Services, Illumina
Classification: Likely benign for Pyropoikilocytosis, hereditary. Last evaluated: 2018-01-13. Review status: criteria provided, single submitter. Criteria: ICSL Variant Classification Criteria 13 December 2019. Collection method: clinical testing. Allele origin: germline.
Comment: This variant was observed in the ICSL laboratory as part of a predisposition screen in an ostensibly healthy population. It had not been previously curated by ICSL or reported in the Human Gene Mutation Database (HGMD: prior to June 1st, 2018), and was therefore a candidate for classification through an automated scoring system. Utilizing variant allele frequency, disease prevalence and penetrance estimates, and inheritance mode, an automated score was calculated to assess if this variant is too frequent to cause the disease. Based on the score and internal cut-off values, a variant classified as likely benign is not then subjected to further curation. The score for this variant resulted in a classification of likely benign for this disease.

Illumina Laboratory Services, Illumina
Classification: Likely benign for Hereditary spherocytosis type 3. Last evaluated: 2018-01-13. Review status: criteria provided, single submitter. Criteria: ICSL Variant Classification Criteria 13 December 2019. Collection method: clinical testing. Allele origin: germline.
Comment: the same text as in the submission from Illumina Laboratory Services, Illumina above.

Illumina Laboratory Services, Illumina
Classification: Benign for Elliptocytosis 2. Last evaluated: 2018-01-13. Review status: criteria provided, single submitter. Criteria: ICSL Variant Classification Criteria 13 December 2019. Collection method: clinical testing. Allele origin: germline.
Comment: This variant was observed in the ICSL laboratory as part of a predisposition screen in an ostensibly healthy population. It had not been previously curated by ICSL or reported in the Human Gene Mutation Database (HGMD: prior to June 1st, 2018), and was therefore a candidate for classification through an automated scoring system. Utilizing variant allele frequency, disease prevalence and penetrance estimates, and inheritance mode, an automated score was calculated to assess if this variant is too frequent to cause the disease. Based on the score and internal cut-off values, a variant classified as benign is not then subjected to further curation. The score for this variant resulted in a classification of benign for this disease.